The following is an entry in ClinVar:

ClinVar aggregate classification (germline): Pathogenic. Review status: criteria provided, multiple submitters, no conflicts (2 of 4 stars). 2 submissions from 2 submitters: Pathogenic (2). Last evaluated 2025-07-31.

Conditions:
Hereditary cancer-predisposing syndrome. Also called: Tumor predisposition; Hereditary neoplastic syndrome; Neoplastic Syndromes, Hereditary; Hereditary Cancer Syndrome. Identifiers: Orphanet 140162, MedGen C0027672, MeSH D009386, MONDO:0015356.

Submissions (2):

Quest Diagnostics Nichols Institute San Juan Capistrano
Classification: Pathogenic. Last evaluated: 2025-07-31. Review status: criteria provided, single submitter. Criteria: Quest Diagnostics criteria. Collection method: clinical testing. Allele origin: unknown.
Comment: The CDH1 c.469del (p.Val157Leufs*58) variant alters the translational reading frame of the CDH1 mRNA and causes the premature termination of CDH1 protein synthesis. This variant has been reported in the published literature in individuals with gastric cancer (PMID: 23709761 (2013), 37761816 (2023)) and lobular breast cancer (PMID: 37761816 (2023)). This variant has not been reported in large, multi-ethnic general populations (Genome Aggregation Database). Based on the available information, this variant is classified as pathogenic.

Ambry Genetics
Classification: Pathogenic for Hereditary cancer-predisposing syndrome. Last evaluated: 2025-06-05. Review status: criteria provided, single submitter. Criteria: Ambry Variant Classification Scheme 2023. Collection method: clinical testing. Allele origin: germline.
Comment: The c.469delG pathogenic mutation, located in coding exon 4 of the CDH1 gene, results from a deletion of one nucleotide at nucleotide position 469, causing a translational frameshift with a predicted alternate stop codon (p.V157Lfs*58). This variant has been reported in a family meeting criteria for CDH1-related diffuse gastric and lobular breast cancer (Benusiglio PR et al. J Med Genet, 2013 Jul;50:486-9). In addition to the clinical data presented in the literature, this alteration is expected to result in loss of function by premature protein truncation or nonsense-mediated mRNA decay. As such, this alteration is interpreted as a disease-causing mutation.

Literature cited by the submitters: PubMed 23709761 (cited by Quest Diagnostics Nichols Institute San Juan Capistrano and Ambry Genetics); PubMed 30745422 (cited by Quest Diagnostics Nichols Institute San Juan Capistrano); PubMed 37761816 (cited by Quest Diagnostics Nichols Institute San Juan Capistrano).

NM_004360.5(CDH1):c.469del (p.Val157fs)

Gene: CDH1 (cadherin 1; plus strand). Cytogenetic location: 16q22.1.
Variant type: Deletion.
Coding change: c.469del on transcript NM_004360.5 (MANE Select); coding-DNA position 469, one base deleted (G; older notation c.469delG).
Protein change: p.Val157fs; shifts the reading frame from valine 157.
Molecular consequence: frameshift variant. On other transcripts: 5 prime UTR variant (2).
Genome position (GRCh38, 1-based): chr16:68,808,505, G deleted; the last of 3 consecutive G bases (chr16:68,808,503-68,808,505); deleting any one gives the same sequence. VCF-style (leftmost placement, unchanged base first): chr16-68808502-TG-T. GRCh37 (hg19) VCF-style: chr16-68842405-TG-T.
Other names: c.469del, p.Val157fs (NM_001317184.2); c.-1147del (NM_001317185.2); c.-1351del (NM_001317186.2); c.469del (NM_004360.4); short protein forms V157fs.
Identifiers: ClinVar variation 3998776 (VCV003998776.2).